The following is an entry in ClinVar:

NM_000489.6(ATRX):c.4353GGA[2] (p.Glu1464del)

Gene: ATRX (ATRX chromatin remodeler; minus strand). Cytogenetic location: Xq21.1.
Variant type: Microsatellite.
Coding change: c.4353GGA[2] on transcript NM_000489.6 (MANE Select); two copies in a row of the 3-base unit GGA starting at c.4353; the reference has three copies in a row; one copy, 3 bases deleted; also written c.4359_4361del.
Protein change: p.Glu1464del; deletes glutamic acid 1464.
Molecular consequence: inframe deletion.
Genome position (GRCh38, 1-based): chrX:77,652,310-77,652,312, TCC deleted on the plus strand (GGA on the coding strand, the reverse complement: ATRX is on the minus strand); deleting any 3 consecutive bases within chrX:77,652,310-77,652,320 gives the same sequence; the position shown is the placement nearest the transcript's 3' end. VCF-style (leftmost placement, unchanged base first): chrX-77652309-TTCC-T. GRCh37 (hg19) VCF-style: chrX-76907799-TTCC-T.
Other names: c.4359_4361del (NM_000489.4); c.4239GGA[2], p.Glu1426del (NM_138270.5); short protein forms E1464del, E1426del.
Identifiers: ClinVar variation 533623 (VCV000533623.52), dbSNP rs782630348, ClinGen allele CA10457803.

ClinVar aggregate classification (germline): Conflicting classifications of pathogenicity. Review status: criteria provided, conflicting classifications (1 of 4 stars). 5 submissions from 5 submitters: Uncertain significance (1); Benign (1); Likely benign (3). Last evaluated 2026-01-14.

Conditions:
Alpha thalassemia-X-linked intellectual disability syndrome (ATRX). Also called: ALPHA-THALASSEMIA/MENTAL RETARDATION SYNDROME, X-LINKED; ATR, NONDELETION TYPE; ALPHA-THALASSEMIA/IMPAIRED INTELLECTUAL DEVELOPMENT SYNDROME, X-LINKED; X-linked alpha-thalassemia-mental retardation syndrome; ATR-X syndrome; Alpha thalassemia mental retardation syndrome, nondeletion type, X-linked. Identifiers: Orphanet 847, MedGen C1845055, MONDO:0010519, OMIM 301040.

Submissions (5):

Labcorp Genetics (formerly Invitae), Labcorp
Classification: Likely benign for Alpha thalassemia-X-linked intellectual disability syndrome. Last evaluated: 2026-01-14. Review status: criteria provided, single submitter. Criteria: Invitae Variant Classification Sherloc (09022015). Collection method: clinical testing. Allele origin: germline.

Athena Diagnostics
Classification: Likely benign. Last evaluated: 2024-06-24. Review status: criteria provided, single submitter. Criteria: Athena Diagnostics Criteria. Collection method: clinical testing. Allele origin: unknown.

GeneDx
Classification: Benign. Last evaluated: 2020-12-18. Review status: criteria provided, single submitter. Criteria: GeneDx Variant Classification Process June 2021. Collection method: clinical testing. Allele origin: germline. Affected: yes.
Comment: This variant is associated with the following publications: (PMID: 32156473)

Institute of Human Genetics, University of Leipzig Medical Center
Classification: Likely benign for Alpha thalassemia-X-linked intellectual disability syndrome. Last evaluated: 2019-01-01. Review status: criteria provided, single submitter. Criteria: ACMG Guidelines, 2015. Collection method: clinical testing. Allele origin: unknown. Affected: yes.

CeGaT Center for Human Genetics Tuebingen
Classification: Uncertain significance. Last evaluated: 2018-03-01. Review status: criteria provided, single submitter. Criteria: CeGaT Center For Human Genetics Tuebingen Variant Classification Criteria Version 2. Collection method: clinical testing. Allele origin: germline. Affected: yes. Observed: 1 variant allele.